The following is an entry in ClinVar:

ClinVar aggregate classification (germline): Pathogenic. Review status: no assertion criteria provided (0 of 4 stars). 2 submissions from 2 submitters: Pathogenic (2). Last evaluated 2017-07-03.

Conditions:
Corpus callosum, agenesis of. Also called: Agenesis of the corpus callosum; Isolated corpus callosum agenesis; Corpus callosum agenesis; Mental retardation hypoplastic corpus callosum preauricular tag; Da silva syndrome. Identifiers: Orphanet 200, MedGen C0175754, MONDO:0009022, OMIM 217990, HP:0001274.
Mirror movements 1 (MRMV1). Identifiers: Orphanet 238722, MedGen C1834870, OMIM 157600, MONDO:0008002.

Submissions (2):

OMIM
Classification: Pathogenic for MIRROR MOVEMENTS 1 AND/OR AGENESIS OF THE CORPUS CALLOSUM. Last evaluated: 2017-07-03. Review status: no assertion criteria provided. Collection method: literature only. Allele origin: germline.

Neurogenetics Research; Murdoch Childrens Research Institute
Classification: Pathogenic for Corpus callosum, agenesis of. Last evaluated: 2016-01-01. Review status: no assertion criteria provided. Collection method: research. Allele origin: germline. Affected: yes.
Comment: Mutations in DCC can cause either agenesis of the corpus callosum, mirror movements or both phenotypes

Literature cited by the submitters: PubMed 28250454 (cited by OMIM).

NM_005215.4(DCC):c.2414G>A (p.Gly805Glu)

Gene: DCC (DCC netrin 1 receptor; plus strand). Cytogenetic location: 18q21.2.
Variant type: single nucleotide variant.
Coding change: c.2414G>A on transcript NM_005215.4 (MANE Select); coding-DNA position 2414, G replaced by A.
Protein change: p.Gly805Glu; replaces glycine 805 with glutamic acid.
Molecular consequence: missense variant.
Genome position (GRCh38, 1-based): chr18:53,386,097, G>A. VCF-style: chr18-53386097-G-A. GRCh37 (hg19) VCF-style: chr18-50912467-G-A.
Other names: short protein forms G805E.
Identifiers: ClinVar variation 375283 (VCV000375283.1), dbSNP rs1057519055, ClinGen allele CA16044035.